The following is an entry in ClinVar:

ClinVar aggregate classification (germline): Uncertain significance. Review status: criteria provided, multiple submitters, no conflicts (2 of 4 stars). 3 submissions from 3 submitters: Uncertain significance (3). Last evaluated 2025-04-09.

Conditions:
Catecholaminergic polymorphic ventricular tachycardia 1. Also called: VENTRICULAR TACHYCARDIA, CATECHOLAMINERGIC POLYMORPHIC, 1, WITH OR WITHOUT ATRIAL DYSFUNCTION AND/OR DILATED CARDIOMYOPATHY; RYR2-Related Catecholaminergic Polymorphic Ventricular Tachycardia; VENTRICULAR TACHYCARDIA, STRESS-INDUCED POLYMORPHIC 1. Identifiers: Orphanet 3286, MedGen C1631597, MONDO:0011484, OMIM 604772.

Allele frequency attached by ClinVar (database versions not stated): TOPMed below 0.00001; gnomAD exomes 0.00001.
gnomAD v4.1: 4 of 1,613,760 alleles (0.00025%); highest among the groups gnomAD compares: South Asian, 0.0033%; no homozygotes.

Submissions (3):

GeneDx
Classification: Uncertain significance. Last evaluated: 2025-04-09. Review status: criteria provided, single submitter. Criteria: GeneDx Variant Classification Process June 2021. Collection method: clinical testing. Allele origin: germline. Affected: yes.
Comment: Not observed at significant frequency in large population cohorts (gnomAD); In silico analysis supports that this missense variant has a deleterious effect on protein structure/function; Has not been previously published as pathogenic or benign to our knowledge; Located in one of the three hot-spot regions of the RYR2 gene, where the majority of pathogenic missense variants occur (PMID: 19926015); This variant is associated with the following publications: (PMID: 19926015)

Labcorp Genetics (formerly Invitae), Labcorp
Classification: Uncertain significance for Catecholaminergic polymorphic ventricular tachycardia 1. Last evaluated: 2022-11-10. Review status: criteria provided, single submitter. Criteria: Invitae Variant Classification Sherloc (09022015). Collection method: clinical testing. Allele origin: germline.
Comment: This variant is present in population databases (no rsID available, gnomAD 0.003%). This sequence change replaces aspartic acid, which is acidic and polar, with asparagine, which is neutral and polar, at codon 4038 of the RYR2 protein (p.Asp4038Asn). This variant has not been reported in the literature in individuals affected with RYR2-related conditions. Advanced modeling of protein sequence and biophysical properties (such as structural, functional, and spatial information, amino acid conservation, physicochemical variation, residue mobility, and thermodynamic stability) performed at Invitae indicates that this missense variant is not expected to disrupt RYR2 protein function. In summary, the available evidence is currently insufficient to determine the role of this variant in disease. Therefore, it has been classified as a Variant of Uncertain Significance.

Blueprint Genetics
Classification: Uncertain significance. Last evaluated: 2018-01-05. Review status: criteria provided, single submitter. Criteria: ACMG Guidelines, 2015. Collection method: clinical testing. Allele origin: germline.

NM_001035.3(RYR2):c.12112G>A (p.Asp4038Asn)

Gene: RYR2 (ryanodine receptor 2; plus strand). Cytogenetic location: 1q43.
Variant type: single nucleotide variant.
Coding change: c.12112G>A on transcript NM_001035.3 (MANE Select); coding-DNA position 12112, G replaced by A.
Protein change: p.Asp4038Asn; replaces aspartic acid 4038 with asparagine.
Molecular consequence: missense variant.
Genome position (GRCh38, 1-based): chr1:237,783,824, G>A. VCF-style: chr1-237783824-G-A. GRCh37 (hg19) VCF-style: chr1-237947124-G-A.
Other names: c.12112G>A (NM_001035.2); short protein forms D4038N.
Identifiers: ClinVar variation 1927276 (VCV001927276.7), dbSNP rs1254415608, ClinGen allele CA345412130.
Genomic context (GRCh38, chr1:237,783,824, plus strand): 5'-GACATGTTCTTAAAACTAAAGGATTTGACGTCGTCTGATACTTTTAAAGAATATGACCCC[G>A]ATGGCAAGGGAGTCATTTCCAAGAGGGACTTCCACAAAGCGATGGAGAGCCATAAGCACT-3'
Protein context (NP_001026.2, residues 4028-4048): SSDTFKEYDP[Asp4038Asn]GKGVISKRDF